The following is an entry in ClinVar:

ClinVar aggregate classification (germline): Conflicting classifications of pathogenicity. Review status: criteria provided, conflicting classifications (1 of 4 stars). 3 submissions from 3 submitters: Uncertain significance (1); Likely benign (2). Last evaluated 2025-10-26.

Conditions:
Hereditary cancer-predisposing syndrome. Also called: Neoplastic Syndromes, Hereditary; Hereditary neoplastic syndrome; Tumor predisposition; Hereditary Cancer Syndrome. Identifiers: Orphanet 140162, MedGen C0027672, MeSH D009386, MONDO:0015356.
Multiple endocrine neoplasia type 4. Also called: MULTIPLE ENDOCRINE NEOPLASIA, TYPE IV. Identifiers: Orphanet 276152, MedGen C1970712, MONDO:0012552, OMIM 610755.

Submissions (3):

Labcorp Genetics (formerly Invitae), Labcorp
Classification: Likely benign for Multiple endocrine neoplasia type 4. Last evaluated: 2025-10-26. Review status: criteria provided, single submitter. Criteria: Invitae Variant Classification Sherloc (09022015). Collection method: clinical testing. Allele origin: germline.

Ambry Genetics
Classification: Likely benign for Hereditary cancer-predisposing syndrome. Last evaluated: 2024-06-19. Review status: criteria provided, single submitter. Criteria: Ambry Variant Classification Scheme 2023. Collection method: clinical testing. Allele origin: germline.

GeneDx
Classification: Uncertain significance. Last evaluated: 2024-06-17. Review status: criteria provided, single submitter. Criteria: GeneDx Variant Classification Process June 2021. Collection method: clinical testing. Allele origin: germline. Affected: yes.
Comment: Not observed at significant frequency in large population cohorts (gnomAD); In silico analysis indicates that this variant does not alter splicing; Has not been previously published as pathogenic or benign to our knowledge

NM_004064.5(CDKN1B):c.27G>C (p.Gly9=)

Gene: CDKN1B (cyclin dependent kinase inhibitor 1B; plus strand). Cytogenetic location: 12p13.1.
Variant type: single nucleotide variant.
Coding change: c.27G>C on transcript NM_004064.5 (MANE Select); coding-DNA position 27, G replaced by C.
Protein change: p.Gly9=; no amino-acid change (glycine 9 retained).
Molecular consequence: synonymous variant.
Genome position (GRCh38, 1-based): chr12:12,717,866, G>C. VCF-style: chr12-12717866-G-C. GRCh37 (hg19) VCF-style: chr12-12870800-G-C.
Other names: c.27G>C (NM_004064.4).
Identifiers: ClinVar variation 3265566 (VCV003265566.3).